The following is an entry in ClinVar:

NM_001009944.3(PKD1):c.7833_7835del (p.Tyr2611_Ser2612delinsTer)

Gene: PKD1 (polycystin 1, transient receptor potential channel interacting; minus strand). Cytogenetic location: 16p13.3.
Variant type: Deletion.
Coding change: c.7833_7835del on transcript NM_001009944.3 (MANE Select); coding-DNA positions 7833 to 7835, 3 bases deleted (CTC; older notation c.7833_7835delCTC).
Protein change: p.Tyr2611_Ser2612delinsTer.
Molecular consequence: nonsense.
Genome position (GRCh38, 1-based): chr16:2,105,893-2,105,895, GAG deleted on the plus strand (CTC on the coding strand, the reverse complement: PKD1 is on the minus strand). VCF-style (leftmost placement, unchanged base first): chr16-2105892-CGAG-C. GRCh37 (hg19) VCF-style: chr16-2155893-CGAG-C.
Other names: c.7833_7835del, p.Tyr2611_Ser2612delinsTer (NM_000296.4).
Identifiers: ClinVar variation 1805151 (VCV001805151.1), dbSNP rs2544775084, ClinGen allele CA2573050780.

ClinVar aggregate classification (germline): Pathogenic (1 of 4 stars; one submission).

Conditions:
Polycystic kidney disease, adult type (PKD1). Also called: Polycystic Kidney Disease 1, Autosomal Dominant; Polycystic kidney disease 1; Polycystic kidney disease 1, severe; Polycystic Kidney, Autosomal Dominant; POLYCYSTIC KIDNEY DISEASE 1 WITH OR WITHOUT POLYCYSTIC LIVER DISEASE; POLYCYSTIC KIDNEY DISEASE, ADULT, TYPE I. Identifiers: MedGen C3149841, MONDO:0008263, OMIM 173900.

Submission:

Victorian Clinical Genetics Services, Murdoch Childrens Research Institute
Classification: Pathogenic for Polycystic kidney disease, adult type. Last evaluated: 2022-02-02. Review status: criteria provided, single submitter. Criteria: ACMG Guidelines, 2015. Collection method: clinical testing. Allele origin: germline. Inheritance: Autosomal dominant inheritance. Affected: yes.
Comment: Based on the classification scheme VCGS_Germline_v1.3.4, this variant is classified as Pathogenic. Following criteria are met: 0102 - Loss of function is a known mechanism of disease in this gene and is associated with polycystic kidney disease 1 (MIM#173900). (I) 0107 - This gene is associated with autosomal dominant disease. Polycystic kidney disease 1 (MIM#173900) is predominantly caused by monoallelic variants, with rare reports of biallelic variants causing disease (OMIM). (I) 0201 - Variant is predicted to cause nonsense-mediated decay (NMD) and loss of protein (premature termination codon is located at least 54 nucleotides upstream of the final exon-exon junction). (SP) 0251 - This variant is heterozygous. (I) 0301 - Variant is absent from gnomAD (both v2 and v3). (SP) 0701 - Other NMD predicted variants comparable to the one identified in this case have very strong previous evidence for pathogenicity (ClinVar, DECIPHER). (SP) 0803 - This variant has limited previous evidence of pathogenicity in unrelated individuals. A different nucleotide change resulting in the same protein outcome (c.7833C>G; p.(Tyr2611*)) has been reported in individuals with autosomal dominant polycystic kidney disease (ClinVar, PMID: 22508176). (SP) 1208 - Inheritance information for this variant is not currently available in this individual. (I) Legend: (SP) - Supporting pathogenic, (I) - Information, (SB) - Supporting benign

Literature cited by the submitters: PubMed 22508176.